The following is an entry in ClinVar:

NM_002303.6(LEPR):c.1374G>A (p.Ala458=)

Gene: LEPR (leptin receptor; plus strand). Cytogenetic location: 1p31.3.
Variant type: single nucleotide variant.
Coding change: c.1374G>A on transcript NM_002303.6 (MANE Select); coding-DNA position 1374, G replaced by A.
Protein change: p.Ala458=; no amino-acid change (alanine 458 retained).
Molecular consequence: synonymous variant.
Genome position (GRCh38, 1-based): chr1:65,601,931, G>A. VCF-style: chr1-65601931-G-A. GRCh37 (hg19) VCF-style: chr1-66067614-G-A.
Other names: c.1374G>A, p.Ala458= (NM_001003679.3, NM_001003680.3, NM_001198687.2 and 2 more transcripts).
Identifiers: ClinVar variation 874951 (VCV000874951.5), dbSNP rs768308728, ClinGen allele CA894785.

ClinVar aggregate classification (germline): Uncertain significance. Review status: criteria provided, single submitter (1 of 4 stars). 2 submissions from 2 submitters: Uncertain significance (1). 1 of the submissions does not count toward it. Last evaluated 2018-01-12.

Conditions:
Obesity due to leptin receptor gene deficiency. Identifiers: Orphanet 179494, MedGen C3554225, MONDO:0013992, OMIM 614963.
LEPR-related disorder. Also called: LEPR-related disorders; LEPR-related condition.

Allele frequency attached by ClinVar (database versions not stated): ExAC 0.00002; gnomAD 0.00003; gnomAD exomes 0.00003 and 0.00002; 1000 Genomes Project 30x 0.00016; TOPMed 0.00003.
gnomAD v4.1: 32 of 1,613,520 alleles (0.002%); highest among the groups gnomAD compares: East Asian, 0.0089%; no homozygotes.

Submissions (2):

Illumina Laboratory Services, Illumina
Classification: Uncertain significance for Obesity due to leptin receptor gene deficiency. Last evaluated: 2018-01-12. Review status: criteria provided, single submitter. Criteria: ICSL Variant Classification Criteria 13 December 2019. Collection method: clinical testing. Allele origin: germline.

PreventionGenetics, part of Exact Sciences
Classification: Likely benign for LEPR-related condition. Last evaluated: 2021-04-15. Review status: no assertion criteria provided. Collection method: clinical testing. Allele origin: germline. Not counted in ClinVar's aggregate classification.
Comment: This variant is classified as likely benign based on ACMG/AMP sequence variant interpretation guidelines (Richards et al. 2015 PMID: 25741868, with internal and published modifications).